The following is an entry in ClinVar:

NM_000548.5(TSC2):c.4090T>G (p.Ser1364Ala)

Gene: TSC2 (TSC complex subunit 2; plus strand). Cytogenetic location: 16p13.3.
Variant type: single nucleotide variant.
Coding change: c.4090T>G on transcript NM_000548.5 (MANE Select); coding-DNA position 4090, T replaced by G.
Protein change: p.Ser1364Ala; replaces serine 1364 with alanine.
Molecular consequence: missense variant.
Genome position (GRCh38, 1-based): chr16:2,084,312, T>G. VCF-style: chr16-2084312-T-G. GRCh37 (hg19) VCF-style: chr16-2134313-T-G.
Other names: c.3889T>G, p.Ser1297Ala (NM_001077183.3); c.4021T>G, p.Ser1341Ala (NM_001114382.3); c.3781T>G, p.Ser1261Ala (NM_001318827.2); c.3745T>G, p.Ser1249Ala (NM_001318829.2); c.3358T>G, p.Ser1120Ala (NM_001318831.2); c.3922T>G, p.Ser1308Ala (NM_001318832.2); c.3892T>G, p.Ser1298Ala (NM_001363528.2); c.3958T>G, p.Ser1320Ala (NM_001370404.1); and 1 more; short protein forms S1261A, S1298A, S1341A, S1120A, S1249A, S1308A, S1320A, S1321A.
Identifiers: ClinVar variation 849814 (VCV000849814.14), dbSNP rs756957699, ClinGen allele CA394299461.

ClinVar aggregate classification (germline): Conflicting classifications of pathogenicity. Review status: criteria provided, conflicting classifications (1 of 4 stars). 4 submissions from 4 submitters: Uncertain significance (3); Benign (1). Last evaluated 2026-04-22.

Conditions:
Tuberous sclerosis syndrome (TSC). Also called: Tuberous sclerosis; Tuberous Sclerosis Complex. Identifiers: Orphanet 805, MedGen C0041341, MONDO:0001734.
Hereditary cancer-predisposing syndrome. Also called: Tumor predisposition; Neoplastic Syndromes, Hereditary; Hereditary neoplastic syndrome; Hereditary Cancer Syndrome. Identifiers: Orphanet 140162, MedGen C0027672, MeSH D009386, MONDO:0015356.
Tuberous sclerosis 2 (TSC2). Identifiers: Orphanet 805, MedGen C1860707, MONDO:0013199, OMIM 613254.

Allele frequency attached by ClinVar (database versions not stated): gnomAD 0.00002; TOPMed 0.00001.
gnomAD v4.1: 39 of 1,612,568 alleles (0.0024%); highest among the groups gnomAD compares: Non-Finnish European, 0.0032%; no homozygotes.

Submissions (4):

Ambry Genetics
Classification: Uncertain significance for Hereditary cancer-predisposing syndrome. Last evaluated: 2026-04-22. Review status: criteria provided, single submitter. Criteria: Ambry Variant Classification Scheme 2023. Collection method: clinical testing. Allele origin: germline.
Comment: The p.S1364A variant (also known as c.4090T>G), located in coding exon 33 of the TSC2 gene, results from a T to G substitution at nucleotide position 4090. The serine at codon 1364 is replaced by alanine, an amino acid with similar properties. This variant was detected as heterozygous in individuals with no reported features of tuberous sclerosis complex (Ambry internal data). This amino acid position is not well conserved in available vertebrate species. In addition, the in silico prediction for this alteration is inconclusive. Based on the available evidence, the clinical significance of this variant remains unclear.

Labcorp Genetics (formerly Invitae), Labcorp
Classification: Benign for Tuberous sclerosis 2. Last evaluated: 2025-11-24. Review status: criteria provided, single submitter. Criteria: Invitae Variant Classification Sherloc (09022015). Collection method: clinical testing. Allele origin: germline.

Color Diagnostics, LLC DBA Color Health
Classification: Uncertain significance for Tuberous sclerosis syndrome. Last evaluated: 2024-02-14. Review status: criteria provided, single submitter. Criteria: ACMG Guidelines, 2015. Collection method: clinical testing. Allele origin: germline.
Comment: This missense variant replaces serine with alanine at codon 1364 of the TSC2 protein. Computational prediction is inconclusive regarding the impact of this variant on protein structure and function. Functional studies have shown that this variant demonstrated no effect on TSC1 or TSC2 protein abundance, or on TSC1-TSC2 dependent inhibition of TORC1 activity (PMID: 15963462). To our knowledge, this variant has not been reported in individuals affected with hereditary cancer in the literature. This variant has not been identified in the general population by the Genome Aggregation Database (gnomAD). The available evidence is insufficient to determine the role of this variant in disease conclusively. Therefore, this variant is classified as a Variant of Uncertain Significance.

All of Us Research Program, National Institutes of Health
Classification: Uncertain significance for Tuberous sclerosis syndrome. Last evaluated: 2023-08-15. Review status: criteria provided, single submitter. Criteria: ACMG Guidelines, 2015. Collection method: clinical testing. Allele origin: germline. Inheritance: Autosomal dominant inheritance. Observed: 3 variant alleles, 3 heterozygotes.
Comment: This study involves interpretation of variants in research participants for the purpose of population health screening. Participant phenotype was not available at the time of variant classification. Additional details can be found in publication PMID: 35346344, PMCID: PMC8962531

Literature cited by the submitters: PubMed 15963462 (cited by Color Diagnostics, LLC DBA Color Health).